The following is an entry in ClinVar:

ClinVar aggregate classification (germline): Uncertain significance. Review status: criteria provided, multiple submitters, no conflicts (2 of 4 stars). 2 submissions from 2 submitters: Uncertain significance (2). Last evaluated 2025-07-08.

Conditions:
Hereditary cancer-predisposing syndrome. Also called: Neoplastic Syndromes, Hereditary; Tumor predisposition; Hereditary Cancer Syndrome; Hereditary neoplastic syndrome. Identifiers: Orphanet 140162, MedGen C0027672, MeSH D009386, MONDO:0015356.

Submissions (2):

Ambry Genetics
Classification: Uncertain significance for Hereditary cancer-predisposing syndrome. Last evaluated: 2025-07-08. Review status: criteria provided, single submitter. Criteria: Ambry Variant Classification Scheme 2023. Collection method: clinical testing. Allele origin: germline.
Comment: The c.9_10delGAinsTT variant (also known as p.M3_M4delinsIL), located in coding exon 1 of the SMARCB1 gene, results from an in-frame deletion of GA and insertion of TT at nucleotide positions 9 to 10. This results in the substitution of two methionine residues for isoleucine and leucine residues at codons 3 through 4. This amino acid region is well conserved in available vertebrate species. In addition, this variant is predicted to be neutral by in silico analysis (Choi Y et al. PLoS ONE. 2012; 7(10):e46688). Based on the available evidence, the clinical significance of this variant remains unclear.

Labcorp Genetics (formerly Invitae), Labcorp
Classification: Uncertain significance. Last evaluated: 2024-04-15. Review status: criteria provided, single submitter. Criteria: Invitae Variant Classification Sherloc (09022015). Collection method: clinical testing. Allele origin: germline.
Comment: This variant, c.9_10delinsTT, is a complex sequence change that results in the deletion of 2 and insertion of 2 amino acid(s) in the SMARCB1 protein (p.Met3_Met4delinsIleLeu). Information on the frequency of this variant in the gnomAD database is not available, as this variant may be reported differently in the database. This variant has not been reported in the literature in individuals affected with SMARCB1-related conditions. ClinVar contains an entry for this variant (Variation ID: 2117361). Experimental studies and prediction algorithms are not available or were not evaluated, and the functional significance of this variant is currently unknown. In summary, the available evidence is currently insufficient to determine the role of this variant in disease. Therefore, it has been classified as a Variant of Uncertain Significance.

NM_003073.5(SMARCB1):c.9_10delinsTT (p.Met3_Met4delinsIleLeu)

Gene: SMARCB1 (SWI/SNF related BAF chromatin remodeling complex subunit B1; plus strand). Cytogenetic location: 22q11.23.
Variant type: Indel.
Coding change: c.9_10delinsTT on transcript NM_003073.5 (MANE Select); coding-DNA positions 9 to 10, GA replaced by TT.
Protein change: p.Met3_Met4delinsIleLeu.
Molecular consequence: missense variant.
Genome position (GRCh38, 1-based): chr22:23,787,178-23,787,179, GA replaced by TT. VCF-style: chr22-23787178-GA-TT. GRCh37 (hg19) VCF-style: chr22-24129365-GA-TT.
Other names: c.9_10delinsTT, p.Met3_Met4delinsIleLeu (NM_001007468.3, NM_001317946.2, NM_001362877.2).
Identifiers: ClinVar variation 2117361 (VCV002117361.5), dbSNP rs2517652419, ClinGen allele CA2580099252.